The following is an entry in ClinVar:

NM_024649.5(BBS1):c.939C>T (p.Gly313=)

Genes: ZDHHC24 (zDHHC palmitoyltransferase 24; minus strand), BBS1 (Bardet-Biedl syndrome 1; plus strand). Cytogenetic location: 11q13.2.
Variant type: single nucleotide variant.
Coding change: c.939C>T on transcript NM_024649.5 (MANE Select); coding-DNA position 939, C replaced by T.
Protein change: p.Gly313=; no amino-acid change (glycine 313 retained).
Molecular consequence: synonymous variant. On other transcripts: intron variant (1).
Genome position (GRCh38, 1-based): chr11:66,523,564, C>T. VCF-style: chr11-66523564-C-T. GRCh37 (hg19) VCF-style: chr11-66291035-C-T.
Other names: c.*22-2098G>A (NM_001348571.2).
Identifiers: ClinVar variation 1627572 (VCV001627572.10), dbSNP rs755023569, ClinGen allele CA6123551.

ClinVar aggregate classification (germline): Likely benign. Review status: criteria provided, single submitter (1 of 4 stars). 2 submissions from 2 submitters: Likely benign (1). 1 of the submissions does not count toward it. Last evaluated 2025-03-17.

Conditions:
BBS1-related disorder. Also called: BBS1-related condition.
Bardet-Biedl syndrome (BBS). Identifiers: Orphanet 110, MedGen C0752166, MONDO:0015229.

Allele frequency attached by ClinVar (database versions not stated): gnomAD exomes 0.00001 and 0.00002; ExAC 0.00002; TOPMed 0.00001.
gnomAD v4.1: 5 of 1,614,158 alleles (0.00031%); highest among the groups gnomAD compares: Admixed American, 0.0083%; no homozygotes.

Submissions (2):

Labcorp Genetics (formerly Invitae), Labcorp
Classification: Likely benign for Bardet-Biedl syndrome. Last evaluated: 2025-03-17. Review status: criteria provided, single submitter. Criteria: Invitae Variant Classification Sherloc (09022015). Collection method: clinical testing. Allele origin: germline.

PreventionGenetics, part of Exact Sciences
Classification: Likely benign for BBS1-related condition. Last evaluated: 2022-07-05. Review status: no assertion criteria provided. Collection method: clinical testing. Allele origin: germline. Not counted in ClinVar's aggregate classification.
Comment: This variant is classified as likely benign based on ACMG/AMP sequence variant interpretation guidelines (Richards et al. 2015 PMID: 25741868, with internal and published modifications).